The following is an entry in ClinVar:

ClinVar aggregate classification (germline): Benign/Likely benign. Review status: criteria provided, multiple submitters, no conflicts (2 of 4 stars). 2 submissions from 2 submitters: Benign (1); Likely benign (1). Last evaluated 2026-06-11.

Conditions:
Tumor predisposition syndrome 2 (TPDS2). Also called: MBD4-Related Tumor Predisposition Syndrome; MBD4-associated neoplasia syndrome (MANS); MBD4-ASSOCIATED NEOPLASIA SYNDROME. Identifiers: Orphanet 661526, MedGen C5774186, MONDO:0859267, OMIM 619975.

Submissions (2):

Myriad Genetics, Inc.
Classification: Benign for Tumor predisposition syndrome 2. Last evaluated: 2026-06-11. Review status: criteria provided, single submitter. Criteria: Myriad Autosomal Dominant, Autosomal Recessive and X-Linked Classification Criteria (2023). Collection method: clinical testing. Allele origin: unknown.
Comment: This variant is considered benign. This variant is a silent/synonymous amino acid change and it is not expected to impact splicing.

Labcorp Genetics (formerly Invitae), Labcorp
Classification: Likely benign. Last evaluated: 2024-11-22. Review status: criteria provided, single submitter. Criteria: Invitae Variant Classification Sherloc (09022015). Collection method: clinical testing. Allele origin: germline.

NM_001276270.2(MBD4):c.1284C>T (p.Ala428=)

Gene: MBD4 (methyl-CpG binding domain 4, DNA glycosylase; minus strand). Cytogenetic location: 3q21.3.
Variant type: single nucleotide variant.
Coding change: c.1284C>T on transcript NM_001276270.2 (MANE Select); coding-DNA position 1284, C replaced by T.
Protein change: p.Ala428=; no amino-acid change (alanine 428 retained).
Molecular consequence: synonymous variant.
Genome position (GRCh38, 1-based): chr3:129,433,959, G>A on the plus strand (C>T on the coding strand, the complement: MBD4 is on the minus strand). VCF-style: chr3-129433959-G-A. GRCh37 (hg19) VCF-style: chr3-129152802-G-A.
Other names: c.1302C>T, p.Ala434= (NM_001276271.2, NM_001276272.2, NM_003925.3); c.348C>T, p.Ala116= (NM_001276273.2).
Identifiers: ClinVar variation 3725847 (VCV003725847.3).